The following is an entry in ClinVar:

ClinVar aggregate classification (germline): Benign/Likely benign. Review status: criteria provided, multiple submitters, no conflicts (2 of 4 stars). 4 submissions from 4 submitters: Benign (1); Likely benign (3). Last evaluated 2025-12-18.

Conditions:
Parkinson disease 5, autosomal dominant, susceptibility to (PARK5). Also called: Parkinson disease 5, susceptibility to. Identifiers: Orphanet 2828, MedGen C3150899, MONDO:0013340, OMIM 613643.
Inborn genetic diseases. Identifiers: MedGen C0950123, MeSH D030342.

Allele frequency attached by ClinVar (database versions not stated): ESP Exome Variant Server 0.00023; gnomAD 0.00034 and 0.00036; TOPMed 0.00036; gnomAD exomes 0.00037; ExAC 0.00039.
gnomAD v4.1: 245 of 1,614,124 alleles (0.015%); highest among the groups gnomAD compares: African/African-American, 0.1%; 2 homozygotes.

Submissions (4):

Labcorp Genetics (formerly Invitae), Labcorp
Classification: Benign. Last evaluated: 2025-12-18. Review status: criteria provided, single submitter. Criteria: Invitae Variant Classification Sherloc (09022015). Collection method: clinical testing. Allele origin: germline.

Ambry Genetics
Classification: Likely benign for Inborn genetic diseases. Last evaluated: 2022-05-15. Review status: criteria provided, single submitter. Criteria: Ambry Variant Classification Scheme 2023. Collection method: clinical testing. Allele origin: germline.

Illumina Laboratory Services, Illumina
Classification: Likely benign for Parkinson disease 5, autosomal dominant, susceptibility to. Last evaluated: 2018-01-12. Review status: criteria provided, single submitter. Criteria: ICSL Variant Classification Criteria 13 December 2019. Collection method: clinical testing. Allele origin: germline.
Comment: This variant was observed in the ICSL laboratory as part of a predisposition screen in an ostensibly healthy population. It had not been previously curated by ICSL or reported in the Human Gene Mutation Database (HGMD: prior to June 1st, 2018), and was therefore a candidate for classification through an automated scoring system. Utilizing variant allele frequency, disease prevalence and penetrance estimates, and inheritance mode, an automated score was calculated to assess if this variant is too frequent to cause the disease. Based on the score and internal cut-off values, a variant classified as likely benign is not then subjected to further curation. The score for this variant resulted in a classification of likely benign for this disease.

Breakthrough Genomics
Classification: Likely benign. Review status: criteria provided, single submitter. Criteria: ACMG Guidelines, 2015. Collection method: not provided. Allele origin: germline. Inheritance: Autosomal recessive inheritance. Affected: yes.

Literature cited by the submitters: PubMed 28518168 (cited by Ambry Genetics); PubMed 32461654 (cited by Ambry Genetics).

NM_004181.5(UCHL1):c.175-5C>T

Gene: UCHL1 (ubiquitin C-terminal hydrolase L1; plus strand). Cytogenetic location: 4p13.
Variant type: single nucleotide variant.
Coding change: c.175-5C>T on transcript NM_004181.5 (MANE Select); 5 bases into the intron before coding-DNA position 175, C replaced by T.
Molecular consequence: intron variant.
Genome position (GRCh38, 1-based): chr4:41,260,642, C>T. VCF-style: chr4-41260642-C-T. GRCh37 (hg19) VCF-style: chr4-41262659-C-T.
Identifiers: ClinVar variation 348770 (VCV000348770.16), dbSNP rs373327947, ClinGen allele CA2899958.